The following is an entry in ClinVar:

ClinVar aggregate classification (germline): Uncertain significance (1 of 4 stars; one submission).

gnomAD v4.1: 2 of 1,613,618 alleles (0.00012%); highest among the groups gnomAD compares: Non-Finnish European, 0.00017%; no homozygotes.

Submission:

Ambry Genetics
Classification: Uncertain significance. Last evaluated: 2026-08-26. Review status: criteria provided, single submitter. Criteria: Ambry Variant Classification Scheme 2023. Collection method: clinical testing. Allele origin: germline.
Comment: The p.G10V variant (also known as c.29G>T), located in coding exon 1 of the RAD51B gene, results from a G to T substitution at nucleotide position 29. The glycine at codon 10 is replaced by valine, an amino acid with dissimilar properties. This amino acid position is conserved. In addition, the in silico prediction for this alteration is inconclusive. Based on the available evidence, the clinical significance of this variant remains unclear.

NM_133510.4(RAD51B):c.29G>T (p.Gly10Val)

Gene: RAD51B (RAD51 paralog B; plus strand). Cytogenetic location: 14q24.1.
Variant type: single nucleotide variant.
Coding change: c.29G>T on transcript NM_133510.4 (MANE Select); coding-DNA position 29, G replaced by T.
Protein change: p.Gly10Val; replaces glycine 10 with valine.
Molecular consequence: missense variant. On other transcripts: 5 prime UTR variant (1).
Genome position (GRCh38, 1-based): chr14:67,823,572, G>T. VCF-style: chr14-67823572-G-T. GRCh37 (hg19) VCF-style: chr14-68290289-G-T.
Other names: c.29G>T, p.Gly10Val (NM_001321809.2, NM_001321810.2, NM_001321812.1 and 6 more transcripts); c.-427G>T (NM_001321817.2); short protein forms G10V.
Identifiers: ClinVar variation 5027793 (VCV005027793.1).
Genomic context (GRCh38, chr14:67,823,572, plus strand): 5'-TGGTTCTTCTTTTCTTTGCTGGATCTGGAGGCATGGGTAGCAAGAAACTAAAACGAGTGG[G>T]TTTATCACAAGAGCTGTGTGACCGTCTGAGTAGACATCAGATCCTTACCTGTCAGGTAAA-3'
Protein context (NP_598194.1, residues 1-20): MGSKKLKRV[Gly10Val]LSQELCDRLS